The following is an entry in ClinVar:

NM_014363.6(SACS):c.10197G>A (p.Met3399Ile)

Gene: SACS (sacsin molecular chaperone; minus strand). Cytogenetic location: 13q12.12.
Variant type: single nucleotide variant.
Coding change: c.10197G>A on transcript NM_014363.6 (MANE Select); coding-DNA position 10197, G replaced by A.
Protein change: p.Met3399Ile; replaces methionine 3399 with isoleucine.
Molecular consequence: missense variant.
Genome position (GRCh38, 1-based): chr13:23,333,679, C>T on the plus strand (G>A on the coding strand, the complement: SACS is on the minus strand). VCF-style: chr13-23333679-C-T. GRCh37 (hg19) VCF-style: chr13-23907818-C-T.
Other names: c.9756G>A, p.Met3252Ile (NM_001278055.2); short protein forms M3252I, M3399I.
Identifiers: ClinVar variation 2174694 (VCV002174694.2), dbSNP rs2542188710, ClinGen allele CA387512745.
Genomic context (GRCh38, chr13:23,333,679, plus strand): 5'-GCGGCCACTGATGGATTTATAGCACGGAAGTGACTTTAGAATTTTTATATCATCTTGGGA[C>T]ATCAAATGATTCAAATTGCAGTTGAAATACATCAAAAGTGCCTCAAAATCATTTTCTACT-3'
Protein context (NP_055178.3, residues 3389-3409): MYFNCNLNHL[Met3399Ile]SQDDIKILKS

ClinVar aggregate classification (germline): Uncertain significance (1 of 4 stars; one submission).

Conditions:
Spastic paraplegia. Identifiers: MedGen C0037772, HP:0001258.

Allele frequency attached by ClinVar (database versions not stated): gnomAD exomes below 0.00001.
gnomAD v4.1: 2 of 1,613,686 alleles (0.00012%); highest among the groups gnomAD compares: South Asian, 0.0022%; no homozygotes.

Submission:

Labcorp Genetics (formerly Invitae), Labcorp
Classification: Uncertain significance for Spastic paraplegia. Last evaluated: 2022-10-17. Review status: criteria provided, single submitter. Criteria: Invitae Variant Classification Sherloc (09022015). Collection method: clinical testing. Allele origin: germline.
Comment: In summary, the available evidence is currently insufficient to determine the role of this variant in disease. Therefore, it has been classified as a Variant of Uncertain Significance. Advanced modeling of protein sequence and biophysical properties (such as structural, functional, and spatial information, amino acid conservation, physicochemical variation, residue mobility, and thermodynamic stability) performed at Invitae indicates that this missense variant is not expected to disrupt SACS protein function. This variant has not been reported in the literature in individuals affected with SACS-related conditions. This variant is not present in population databases (gnomAD no frequency). This sequence change replaces methionine, which is neutral and non-polar, with isoleucine, which is neutral and non-polar, at codon 3399 of the SACS protein (p.Met3399Ile).